The following is an entry in ClinVar:

NM_020708.5(SLC12A5):c.437C>T (p.Thr146Met)

Gene: SLC12A5 (solute carrier family 12 member 5; plus strand). Cytogenetic location: 20q13.12.
Variant type: single nucleotide variant.
Coding change: c.437C>T on transcript NM_020708.5 (MANE Select); coding-DNA position 437, C replaced by T.
Protein change: p.Thr146Met; replaces threonine 146 with methionine.
Molecular consequence: missense variant.
Genome position (GRCh38, 1-based): chr20:46,036,751, C>T. VCF-style: chr20-46036751-C-T. GRCh37 (hg19) VCF-style: chr20-44665390-C-T.
Other names: c.506C>T, p.Thr169Met (NM_001134771.2); short protein forms T146M, T169M.
Identifiers: ClinVar variation 1506260 (VCV001506260.7), dbSNP rs2084502132, ClinGen allele CA409188239.

ClinVar aggregate classification (germline): Uncertain significance (1 of 4 stars; one submission).

Conditions:
Developmental and epileptic encephalopathy, 34 (DEE34). Also called: Early infantile epileptic encephalopathy 34; SLC12A5-Related Epilepsy of Infancy with Migrating Focal Seizures. Identifiers: Orphanet 293181, MedGen C4225257, MONDO:0014718, OMIM 616645.

Allele frequency attached by ClinVar (database versions not stated): TOPMed below 0.00001.

Submission:

Labcorp Genetics (formerly Invitae), Labcorp
Classification: Uncertain significance for Developmental and epileptic encephalopathy, 34. Last evaluated: 2025-01-06. Review status: criteria provided, single submitter. Criteria: Invitae Variant Classification Sherloc (09022015). Collection method: clinical testing. Allele origin: germline.
Comment: This sequence change replaces threonine, which is neutral and polar, with methionine, which is neutral and non-polar, at codon 146 of the SLC12A5 protein (p.Thr146Met). This variant is not present in population databases (gnomAD no frequency). This variant has not been reported in the literature in individuals affected with SLC12A5-related conditions. ClinVar contains an entry for this variant (Variation ID: 1506260). Invitae Evidence Modeling of protein sequence and biophysical properties (such as structural, functional, and spatial information, amino acid conservation, physicochemical variation, residue mobility, and thermodynamic stability) indicates that this missense variant is expected to disrupt SLC12A5 protein function with a positive predictive value of 80%. In summary, the available evidence is currently insufficient to determine the role of this variant in disease. Therefore, it has been classified as a Variant of Uncertain Significance.